The following continues an entry in ClinVar:

NM_007294.4(BRCA1):c.884A>G (p.Asp295Gly)

Gene: BRCA1. ClinVar aggregate classification (germline): Conflicting classifications of pathogenicity. Uncertain significance (7); Likely benign (3).

Submissions 9 to 13 of 13:

National Health Laboratory Service, Universitas Academic Hospital and University of the Free State
Classification: Uncertain significance for Hereditary breast ovarian cancer syndrome. Last evaluated: 2021-11-16. Review status: criteria provided, single submitter. Criteria: ACMG Guidelines, 2015. Collection method: clinical testing. Allele origin: germline. Affected: yes. Observed: 2 variant alleles.

Ambry Genetics
Classification: Likely benign for Hereditary cancer-predisposing syndrome. Last evaluated: 2021-07-21. Review status: criteria provided, single submitter. Criteria: Ambry Variant Classification Scheme 2023. Collection method: clinical testing. Allele origin: germline.

Clinical Genetics Laboratory, Department of Pathology, Netherlands Cancer Institute
Classification: Likely benign. Review status: no assertion criteria provided. Collection method: clinical testing. Allele origin: germline. Affected: yes. Study: VKGL Data-share Consensus. Not counted in ClinVar's aggregate classification.

Department of Pathology and Laboratory Medicine, Sinai Health System
Classification: Uncertain significance for Malignant tumor of breast. Review status: no assertion criteria provided. Collection method: clinical testing. Allele origin: unknown. Affected: yes. Study: The Canadian Open Genetics Repository (COGR). Not counted in ClinVar's aggregate classification.
Comment: The BRCA1 c.884A>G variant was not identified in the literature. The variant was identified in dbSNP (ID: rs772684048) as â€šÃ„ÃºWith Uncertain Significance alleleâ€šÃ„Ã¹, Clinvitae database (as uncertain significance), and the ClinVar database (as uncertain significance, by Ambry Genetics). The variant was not found in the Fanconi Anemia Mutation Database (LOVD), LOVD-IARC database, ARUP Laboratories BRCA Mutations Database, COSMIC, GeneInsight COGR database, the BIC database, and UMD. This variant was identified in the Exome Aggregation Consortium database (August 8th, 2016) in 8 of 121358 chromosomes (freq. 6.59X10-5) in the following populations: South Asian in 8 of 16504 chromosomes (freq. 0.00048), but was not seen in African, East Asian, Finnish, European (Non-Finnish), and Latino populations, although this low number of observations and low frequency is not substantive enough to determine the prevalence of the variant in the general population and its relationship to disease. The p.Asp295 residue is not conserved in mammals and computational analyses (PolyPhen-2, SIFT, AlignGVGD, BLOSUM, MutationTaster) provide inconsistent predictions regarding the impact to the protein; this information is not very predictive of pathogenicity. The variant occurs outside of the splicing consensus sequence and in silico or computational prediction software programs (SpliceSiteFinder, MaxEntScan, NNSPLICE, GeneSplicer, HumanSpliceFinder) do not predict a difference in splicing. In summary, based on the above information, the clinical significance of this variant cannot be determined with certainty at this time. This variant is classified as a variant of uncertain significance.

Joint Genome Diagnostic Labs from Nijmegen and Maastricht, Radboudumc and MUMC+
Classification: Likely benign. Review status: no assertion criteria provided. Collection method: clinical testing. Allele origin: germline. Affected: yes. Study: VKGL Data-share Consensus. Not counted in ClinVar's aggregate classification.

Literature cited by the submitters: PubMed 21156238 (cited by 6 submitters); PubMed 26541979 (cited by 4 submitters); PubMed 31954625 (cited by 4 submitters); PubMed 34218100 (cited by 5 submitters); PubMed 33471991 (cited by 3 submitters); PubMed 31911673 (cited by Quest Diagnostics Nichols Institute San Juan Capistrano); PubMed 39041507 (cited by Quest Diagnostics Nichols Institute San Juan Capistrano); DOI 10.3389/fgene.2022.834265 (cited by National Health Laboratory Service, Universitas Academic Hospital and University of the Free State).